The following is an entry in ClinVar:

ClinVar aggregate classification (germline): Uncertain significance (1 of 4 stars; one submission).

Conditions:
Fibrous dysplasia of jaw (CRBM). Also called: Cherubism. Identifiers: Orphanet 184, MedGen C0008029, MONDO:0007315, OMIM 118400.

Allele frequency attached by ClinVar (database versions not stated): ExAC 0.00001; gnomAD 0.00001.
gnomAD v4.1: 16 of 1,613,920 alleles (0.00099%); highest among the groups gnomAD compares: South Asian, 0.0088%; no homozygotes.

Submission:

Labcorp Genetics (formerly Invitae), Labcorp
Classification: Uncertain significance for Fibrous dysplasia of jaw. Last evaluated: 2025-05-04. Review status: criteria provided, single submitter. Criteria: Invitae Variant Classification Sherloc (09022015). Collection method: clinical testing. Allele origin: germline.
Comment: This sequence change replaces proline, which is neutral and non-polar, with alanine, which is neutral and non-polar, at codon 480 of the SH3BP2 protein (p.Pro480Ala). This variant is present in population databases (rs753270805, gnomAD 0.01%). This variant has not been reported in the literature in individuals affected with SH3BP2-related conditions. ClinVar contains an entry for this variant (Variation ID: 2421071). Invitae Evidence Modeling of protein sequence and biophysical properties (such as structural, functional, and spatial information, amino acid conservation, physicochemical variation, residue mobility, and thermodynamic stability) indicates that this missense variant is not expected to disrupt SH3BP2 protein function with a negative predictive value of 95%. In summary, the available evidence is currently insufficient to determine the role of this variant in disease. Therefore, it has been classified as a Variant of Uncertain Significance.

NM_001122681.2(SH3BP2):c.1438C>G (p.Pro480Ala)

Gene: SH3BP2 (SH3 domain binding protein 2; plus strand). Cytogenetic location: 4p16.3.
Variant type: single nucleotide variant.
Coding change: c.1438C>G on transcript NM_001122681.2 (MANE Select); coding-DNA position 1438, C replaced by G.
Protein change: p.Pro480Ala; replaces proline 480 with alanine.
Molecular consequence: missense variant.
Genome position (GRCh38, 1-based): chr4:2,832,362, C>G. VCF-style: chr4-2832362-C-G. GRCh37 (hg19) VCF-style: chr4-2834089-C-G.
Other names: c.1522C>G, p.Pro508Ala (NM_001145855.2); c.1609C>G, p.Pro537Ala (NM_001145856.2); c.1438C>G, p.Pro480Ala (NM_003023.4); short protein forms P480A, P508A, P537A.
Identifiers: ClinVar variation 2421071 (VCV002421071.6), dbSNP rs753270805, ClinGen allele CA2819552.